The following is an entry in ClinVar:

ClinVar aggregate classification (germline): Uncertain significance (1 of 4 stars; one submission).

Submission:

GeneDx
Classification: Uncertain significance. Last evaluated: 2022-11-30. Review status: criteria provided, single submitter. Criteria: GeneDx Variant Classification Process June 2021. Collection method: clinical testing. Allele origin: germline. Affected: yes.
Comment: Not observed at significant frequency in large population cohorts (gnomAD); In silico analysis supports that this missense variant has a deleterious effect on protein structure/function; Has not been previously published as pathogenic or benign to our knowledge

NM_001077653.2(TBX20):c.679T>A (p.Tyr227Asn)

Gene: TBX20 (T-box transcription factor 20; minus strand). Cytogenetic location: 7p14.2.
Variant type: single nucleotide variant.
Coding change: c.679T>A on transcript NM_001077653.2 (MANE Select); coding-DNA position 679, T replaced by A.
Protein change: p.Tyr227Asn; replaces tyrosine 227 with asparagine.
Molecular consequence: missense variant.
Genome position (GRCh38, 1-based): chr7:35,241,013, A>T on the plus strand (T>A on the coding strand, the complement: TBX20 is on the minus strand). VCF-style: chr7-35241013-A-T. GRCh37 (hg19) VCF-style: chr7-35280625-A-T.
Other names: c.679T>A, p.Tyr227Asn (NM_001166220.1); short protein forms Y227N.
Identifiers: ClinVar variation 2504518 (VCV002504518.1), dbSNP rs2546993247, ClinGen allele CA367264184.
Genomic context (GRCh38, chr7:35,241,013, plus strand): 5'-TCAGGTTGAGCAATGAGGCTGTGTGGTCTTTCTTCTTAATGATGTGCACCCTTGGCTGGT[A>T]CTTATGCATTGAGTTCAAAATTATCTACAACAAAAAGATGGGAAGTACTGAATTTTACAT-3'
Protein context (NP_001071121.1, residues 217-237): GHIILNSMHK[Tyr227Asn]QPRVHIIKKK